The following is an entry in ClinVar:

ClinVar aggregate classification (germline): Conflicting classifications of pathogenicity. Review status: criteria provided, conflicting classifications (1 of 4 stars). 3 submissions from 3 submitters: Uncertain significance (1); Likely benign (2). Last evaluated 2026-01-24.

Conditions:
Hereditary cancer-predisposing syndrome. Also called: Neoplastic Syndromes, Hereditary; Hereditary neoplastic syndrome; Tumor predisposition; Hereditary Cancer Syndrome. Identifiers: Orphanet 140162, MedGen C0027672, MeSH D009386, MONDO:0015356.
Parathyroid carcinoma (PRTC). Also called: Parathyroid gland carcinoma; CDC73-Related Parathyroid Carcinoma. Identifiers: Orphanet 143, MedGen C0687150, MONDO:0012004, OMIM 608266, HP:0006780.

Submissions (3):

Labcorp Genetics (formerly Invitae), Labcorp
Classification: Likely benign for Parathyroid carcinoma. Last evaluated: 2026-01-24. Review status: criteria provided, single submitter. Criteria: Invitae Variant Classification Sherloc (09022015). Collection method: clinical testing. Allele origin: germline.

GeneDx
Classification: Uncertain significance. Last evaluated: 2024-03-15. Review status: criteria provided, single submitter. Criteria: GeneDx Variant Classification Process June 2021. Collection method: clinical testing. Allele origin: germline. Affected: yes.
Comment: Not observed at significant frequency in large population cohorts (gnomAD); Has not been previously published as pathogenic or benign to our knowledge; In silico analysis suggests this variant may impact gene splicing. In the absence of RNA/functional studies, the actual effect of this sequence change is unknown.

Ambry Genetics
Classification: Likely benign for Hereditary cancer-predisposing syndrome. Last evaluated: 2022-12-02. Review status: criteria provided, single submitter. Criteria: Ambry Variant Classification Scheme 2023. Collection method: clinical testing. Allele origin: germline.

NM_024529.5(CDC73):c.975G>A (p.Glu325=)

Gene: CDC73 (cell division cycle 73; plus strand). Cytogenetic location: 1q31.2.
Variant type: single nucleotide variant.
Coding change: c.975G>A on transcript NM_024529.5 (MANE Select); coding-DNA position 975, G replaced by A.
Protein change: p.Glu325=; no amino-acid change (glutamic acid 325 retained).
Molecular consequence: synonymous variant.
Genome position (GRCh38, 1-based): chr1:193,203,797, G>A. VCF-style: chr1-193203797-G-A. GRCh37 (hg19) VCF-style: chr1-193172927-G-A.
Identifiers: ClinVar variation 2497617 (VCV002497617.5), dbSNP rs2527440067, ClinGen allele CA422491612.